The following is an entry in ClinVar:

ClinVar aggregate classification (germline): Conflicting classifications of pathogenicity. Review status: criteria provided, conflicting classifications (1 of 4 stars). 2 submissions from 2 submitters: Uncertain significance (1); Likely benign (1). Last evaluated 2026-01-06.

Conditions:
Multiple endocrine neoplasia, type 1 (MEN1). Also called: MEN I; WERMER SYNDROME; Endocrine adenomatosis multiple; MEN 1; MEA I. Identifiers: Orphanet 652, MedGen C0025267, MeSH D018761, MONDO:0007540, OMIM 131100.

Submissions (2):

Labcorp Genetics (formerly Invitae), Labcorp
Classification: Likely benign for Multiple endocrine neoplasia, type 1. Last evaluated: 2026-01-06. Review status: criteria provided, single submitter. Criteria: Invitae Variant Classification Sherloc (09022015). Collection method: clinical testing. Allele origin: germline.

GeneDx
Classification: Uncertain significance. Last evaluated: 2022-11-09. Review status: criteria provided, single submitter. Criteria: GeneDx Variant Classification Process June 2021. Collection method: clinical testing. Allele origin: germline. Affected: yes.
Comment: Not observed at significant frequency in large population cohorts (gnomAD); In silico analysis supports that this variant does not alter splicing; Has not been previously published as pathogenic or benign to our knowledge

NM_001370259.2(MEN1):c.9G>A (p.Leu3=)

Gene: MEN1 (menin 1; minus strand). Cytogenetic location: 11q13.1.
Variant type: single nucleotide variant.
Coding change: c.9G>A on transcript NM_001370259.2 (MANE Select); coding-DNA position 9, G replaced by A.
Protein change: p.Leu3=; no amino-acid change (leucine 3 retained).
Molecular consequence: synonymous variant. On other transcripts: non-coding transcript variant (4).
Genome position (GRCh38, 1-based): chr11:64,810,101, C>T on the plus strand (G>A on the coding strand, the complement: MEN1 is on the minus strand). VCF-style: chr11-64810101-C-T. GRCh37 (hg19) VCF-style: chr11-64577573-C-T.
Other names: c.9G>A, p.Leu3= (NM_000244.4, NM_001370251.2, NM_001370260.2 and 20 more transcripts).
Identifiers: ClinVar variation 2501926 (VCV002501926.2), dbSNP rs2497291790, ClinGen allele CA475163398.